The following is an entry in ClinVar:

ClinVar aggregate classification (germline): Uncertain significance (1 of 4 stars; one submission).

Submission:

GeneDx
Classification: Uncertain significance. Last evaluated: 2022-03-14. Review status: criteria provided, single submitter. Criteria: GeneDx Variant Classification Process June 2021. Collection method: clinical testing. Allele origin: germline. Affected: yes.
Comment: In silico analysis supports that this missense variant has a deleterious effect on protein structure/function; Has not been previously published as pathogenic or benign to our knowledge

NM_003482.4(KMT2D):c.14167C>T (p.Pro4723Ser)

Gene: KMT2D (lysine methyltransferase 2D; minus strand). Cytogenetic location: 12q13.12.
Variant type: single nucleotide variant.
Coding change: c.14167C>T on transcript NM_003482.4 (MANE Select); coding-DNA position 14167, C replaced by T.
Protein change: p.Pro4723Ser; replaces proline 4723 with serine.
Molecular consequence: missense variant.
Genome position (GRCh38, 1-based): chr12:49,029,145, G>A on the plus strand (C>T on the coding strand, the complement: KMT2D is on the minus strand). VCF-style: chr12-49029145-G-A. GRCh37 (hg19) VCF-style: chr12-49422928-G-A.
Other names: short protein forms P4723S.
Identifiers: ClinVar variation 1706335 (VCV001706335.2), dbSNP rs1278671480, ClinGen allele CA384697301.